The following is an entry in ClinVar:

ClinVar aggregate classification (germline): Conflicting classifications of pathogenicity. Review status: criteria provided, conflicting classifications (1 of 4 stars). 10 submissions from 10 submitters: Uncertain significance (8); Likely benign (2). Last evaluated 2026-01-12.

Conditions:
Myofibrillar myopathy 5. Also called: FILAMINOPATHY, AUTOSOMAL DOMINANT; Filaminopathy (type). Identifiers: Orphanet 171445, MedGen C1836050, MONDO:0012289, OMIM 609524.
Hypertrophic cardiomyopathy 26. Also called: Cardiomyopathy, familial hypertrophic, 26. Identifiers: Orphanet 75249, MedGen C4310749, MONDO:0014883, OMIM 617047.
Distal myopathy with posterior leg and anterior hand involvement. Also called: WILLIAMS DISTAL MYOPATHY. Identifiers: Orphanet 63273, MedGen C3279722, MONDO:0013550, OMIM 614065.
FLNC-related disorder. Also called: FLNC-related disorders; FLNC-related condition.
Cardiovascular phenotype. Identifiers: MedGen CN230736.
Cardiomyopathy (CMYO). Also called: Cardiomyopathies. Identifiers: Orphanet 167848, MedGen C0878544, MONDO:0004994, HP:0001638. Inheritance: Various modes of inheritance.

Allele frequency attached by ClinVar (database versions not stated): ExAC 0.00002; gnomAD 0.00003 and 0.00004; gnomAD exomes 0.00003 and 0.00006; TOPMed 0.00005.
gnomAD v4.1: 87 of 1,613,710 alleles (0.0054%); highest among the groups gnomAD compares: Non-Finnish European, 0.0071%; no homozygotes.

Submissions (10):

Labcorp Genetics (formerly Invitae), Labcorp
Classification: Uncertain significance for Distal myopathy with posterior leg and anterior hand involvement; Myofibrillar myopathy 5; Hypertrophic cardiomyopathy 26. Last evaluated: 2026-01-12. Review status: criteria provided, single submitter. Criteria: Invitae Variant Classification Sherloc (09022015). Collection method: clinical testing. Allele origin: germline.
Comment: This sequence change replaces glycine, which is neutral and non-polar, with arginine, which is basic and polar, at codon 948 of the FLNC protein (p.Gly948Arg). This variant is present in population databases (rs768103657, gnomAD 0.007%). This variant has not been reported in the literature in individuals affected with FLNC-related conditions. ClinVar contains an entry for this variant (Variation ID: 472021). Invitae Evidence Modeling of protein sequence and biophysical properties (such as structural, functional, and spatial information, amino acid conservation, physicochemical variation, residue mobility, and thermodynamic stability) has been performed for this missense variant. However, the output from this modeling did not meet the statistical confidence thresholds required to predict the impact of this variant on FLNC protein function. In summary, the available evidence is currently insufficient to determine the role of this variant in disease. Therefore, it has been classified as a Variant of Uncertain Significance.

Women's Health and Genetics/Laboratory Corporation of America, LabCorp
Classification: Likely benign. Last evaluated: 2026-01-08. Review status: criteria provided, single submitter. Criteria: LabCorp Variant Classification Summary - May 2015. Collection method: clinical testing. Allele origin: germline.
Comment: Variant summary: FLNC c.2842G>A (p.Gly948Arg) results in a non-conservative amino acid change in the encoded protein sequence. Algorithms developed to predict the effect of missense changes on protein structure and function all suggest that this variant is likely to be disruptive. The variant allele was found at a frequency of 5.4e-05 in 1613710 control chromosomes, predominantly at a frequency of 7.1e-05 within the Non-Finnish European subpopulation in the gnomAD database. The observed variant frequency within Non-Finnish European control individuals in the gnomAD database exceeds the estimated maximal expected allele frequency for disease-causing variants in FLNC. c.2842G>A has been observed in an individual affected with Cardiomyopathy, without strong evidence for causality (Akinrinade_2023). This report does not provide unequivocal conclusions about association of the variant with Cardiomyopathy. To our knowledge, no experimental evidence demonstrating an impact on protein function has been reported. The following publication has been ascertained in the context of this evaluation (PMID: 37477868). ClinVar contains an entry for this variant (Variation ID: 472021). Based on the evidence outlined above, the variant was classified as likely benign.

Ambry Genetics
Classification: Uncertain significance for Cardiovascular phenotype. Last evaluated: 2025-11-03. Review status: criteria provided, single submitter. Criteria: Ambry Variant Classification Scheme 2023. Collection method: clinical testing. Allele origin: germline.
Comment: The p.G948R variant (also known as c.2842G>A), located in coding exon 19 of the FLNC gene, results from a G to A substitution at nucleotide position 2842. The glycine at codon 948 is replaced by arginine, an amino acid with dissimilar properties. This variant has been detected in an individual from a cardiomyopathy cohort; however, additional details were not provided (Akinrinade O et al. J Cardiovasc Transl Res. 2023 Jul). This amino acid position is highly conserved in available vertebrate species. In addition, this alteration is predicted to be deleterious by in silico analysis. Since supporting evidence is limited at this time, the clinical significance of this alteration remains unclear.

PreventionGenetics, part of Exact Sciences
Classification: Uncertain significance for FLNC-related condition. Last evaluated: 2025-03-18. Review status: criteria provided, single submitter. Criteria: ACMG Guidelines, 2015. Collection method: clinical testing. Allele origin: germline.
Comment: The FLNC c.2842G>A variant is predicted to result in the amino acid substitution p.Gly948Arg. This variant has been reported in an individual with cardiomyopathy (Table S2, Akinrinade et al. 2023. PubMed ID: 37477868). This variant is reported in 0.0073% of alleles in individuals of European (Non-Finnish) descent in gnomAD. At this time, the clinical significance of this variant is uncertain due to the absence of conclusive functional and genetic evidence.

Mayo Clinic Laboratories, Mayo Clinic
Classification: Uncertain significance. Last evaluated: 2024-02-26. Review status: criteria provided, single submitter. Criteria: ACMG Guidelines, 2015. Collection method: clinical testing. Allele origin: germline. Observed: 1 variant allele.
Comment: PP3

GeneDx
Classification: Uncertain significance. Last evaluated: 2023-05-24. Review status: criteria provided, single submitter. Criteria: GeneDx Variant Classification Process June 2021. Collection method: clinical testing. Allele origin: germline. Affected: yes.
Comment: Has not been previously published as pathogenic or benign to our knowledge; In silico analysis supports that this missense variant has a deleterious effect on protein structure/function

Blueprint Genetics
Classification: Likely benign. Last evaluated: 2022-08-25. Review status: criteria provided, single submitter. Criteria: ACMG Guidelines, 2015. Collection method: clinical testing. Allele origin: germline.

CHEO Genetics Diagnostic Laboratory, Children's Hospital of Eastern Ontario
Classification: Uncertain significance for Cardiomyopathy. Last evaluated: 2022-07-05. Review status: criteria provided, single submitter. Criteria: ACMG Guidelines, 2015. Collection method: clinical testing. Allele origin: germline.

Fulgent Genetics
Classification: Uncertain significance for Myofibrillar myopathy 5; Distal myopathy with posterior leg and anterior hand involvement; Hypertrophic cardiomyopathy 26. Last evaluated: 2021-10-29. Review status: criteria provided, single submitter. Criteria: ACMG Guidelines, 2015. Collection method: clinical testing. Allele origin: unknown.

Revvity Omics, Revvity
Classification: Uncertain significance. Last evaluated: 2020-10-15. Review status: criteria provided, single submitter. Criteria: ACMG Guidelines, 2015. Collection method: clinical testing. Allele origin: germline.

Literature cited by the submitters: PubMed 37477868 (cited by Women's Health and Genetics/Laboratory Corporation of America, LabCorp and Ambry Genetics).

NM_001458.5(FLNC):c.2842G>A (p.Gly948Arg)

Gene: FLNC (filamin C; plus strand). Cytogenetic location: 7q32.1.
Variant type: single nucleotide variant.
Coding change: c.2842G>A on transcript NM_001458.5 (MANE Select); coding-DNA position 2842, G replaced by A.
Protein change: p.Gly948Arg; replaces glycine 948 with arginine.
Molecular consequence: missense variant.
Genome position (GRCh38, 1-based): chr7:128,843,826, G>A. VCF-style: chr7-128843826-G-A. GRCh37 (hg19) VCF-style: chr7-128483880-G-A.
Other names: p.Gly948Arg; c.2842G>A, p.Gly948Arg (NM_001127487.2); short protein forms G948R.
Identifiers: ClinVar variation 472021 (VCV000472021.22), dbSNP rs768103657, ClinGen allele CA4474880.